The following is an entry in ClinVar:

NM_175607.3(CNTN4):c.2715C>T (p.Pro905=)

Genes: CNTN4 (contactin 4; plus strand), CNTN4-AS1 (CNTN4 antisense RNA 1; minus strand). Cytogenetic location: 3p26.2.
Variant type: single nucleotide variant.
Coding change: c.2715C>T on transcript NM_175607.3 (MANE Select); coding-DNA position 2715, C replaced by T.
Protein change: p.Pro905=; no amino-acid change (proline 905 retained).
Molecular consequence: synonymous variant.
Genome position (GRCh38, 1-based): chr3:3,043,608, C>T. VCF-style: chr3-3043608-C-T. GRCh37 (hg19) VCF-style: chr3-3085292-C-T.
Other names: c.2715C>T, p.Pro905= (NM_001206955.2, NM_001350095.2); c.1728C>T, p.Pro576= (NM_001206956.2); c.1731C>T, p.Pro577= (NM_175613.3).
Identifiers: ClinVar variation 3043952 (VCV003043952.2), dbSNP rs144260163, ClinGen allele CA2227820.

ClinVar aggregate classification (germline): Likely benign (0 of 4 stars; one submission).

Conditions:
CNTN4-related disorder. Also called: CNTN4-related condition.

Allele frequency attached by ClinVar (database versions not stated): gnomAD 0.00013; 1000 Genomes Project 30x 0.00016; ExAC 0.00017; 1000 Genomes Project 0.00020; TOPMed 0.00020; ESP Exome Variant Server 0.00031.
gnomAD v4.1: 506 of 1,613,596 alleles (0.031%); highest among the groups gnomAD compares: Non-Finnish European, 0.038%; 1 homozygote.

Submission:

PreventionGenetics, part of Exact Sciences
Classification: Likely benign for CNTN4-related condition. Last evaluated: 2019-05-28. Review status: no assertion criteria provided. Collection method: clinical testing. Allele origin: germline.
Comment: This variant is classified as likely benign based on ACMG/AMP sequence variant interpretation guidelines (Richards et al. 2015 PMID: 25741868, with internal and published modifications).